The following is an entry in ClinVar:

ClinVar aggregate classification (germline): Uncertain significance (1 of 4 stars; one submission).

Submission:

Labcorp Genetics (formerly Invitae), Labcorp
Classification: Uncertain significance. Last evaluated: 2022-08-15. Review status: criteria provided, single submitter. Criteria: Invitae Variant Classification Sherloc (09022015). Collection method: clinical testing. Allele origin: germline.
Comment: In summary, the available evidence is currently insufficient to determine the role of this variant in disease. Therefore, it has been classified as a Variant of Uncertain Significance. Algorithms developed to predict the effect of missense changes on protein structure and function (SIFT, PolyPhen-2, Align-GVGD) all suggest that this variant is likely to be tolerated. ClinVar contains an entry for this variant (Variation ID: 1498161). This variant has not been reported in the literature in individuals affected with DNM1L-related conditions. This variant is not present in population databases (gnomAD no frequency). This sequence change replaces histidine, which is basic and polar, with proline, which is neutral and non-polar, at codon 621 of the DNM1L protein (p.His621Pro).

NM_012062.5(DNM1L):c.1862A>C (p.His621Pro)

Gene: DNM1L (dynamin 1 like; plus strand). Cytogenetic location: 12p11.21.
Variant type: single nucleotide variant.
Coding change: c.1862A>C on transcript NM_012062.5 (MANE Select); coding-DNA position 1862, A replaced by C.
Protein change: p.His621Pro; replaces histidine 621 with proline.
Molecular consequence: missense variant.
Genome position (GRCh38, 1-based): chr12:32,740,218, A>C. VCF-style: chr12-32740218-A-C. GRCh37 (hg19) VCF-style: chr12-32893152-A-C.
Other names: c.1829A>C, p.His610Pro (NM_001278463.2); c.1901A>C, p.His634Pro (NM_001278464.2); c.1868A>C, p.His623Pro (NM_001278465.2); c.1253A>C, p.His418Pro (NM_001278466.2); c.1790A>C, p.His597Pro (NM_001330380.2); c.1751A>C, p.His584Pro (NM_005690.5); c.1784A>C, p.His595Pro (NM_012063.4); short protein forms H623P, H418P, H595P, H610P, H597P, H621P, H584P, H634P.
Identifiers: ClinVar variation 1498161 (VCV001498161.6), dbSNP rs2137589345, ClinGen allele CA384363414.